The following is an entry in ClinVar:

NM_016122.3(CEP83):c.1419+4T>G

Gene: CEP83 (centrosomal protein 83; minus strand). Cytogenetic location: 12q22.
Variant type: single nucleotide variant.
Coding change: c.1419+4T>G on transcript NM_016122.3 (MANE Select); 4 bases into the intron after coding-DNA position 1419, T replaced by G.
Molecular consequence: intron variant.
Genome position (GRCh38, 1-based): chr12:94,335,585, A>C on the plus strand (T>G on the coding strand, the complement: CEP83 is on the minus strand). VCF-style: chr12-94335585-A-C. GRCh37 (hg19) VCF-style: chr12-94729361-A-C.
Other names: c.1419+4T>G (NM_001346457.2, NM_001042399.2, NM_001368038.1 and 1 more transcripts); c.1107+4T>G (NM_001346459.2, NM_001346458.2, NM_001368040.1 and 1 more transcripts); c.1194+4T>G (NM_001368041.1).
Identifiers: ClinVar variation 1414986 (VCV001414986.7), dbSNP rs753727360, ClinGen allele CA6721652.

ClinVar aggregate classification (germline): Conflicting classifications of pathogenicity. Review status: criteria provided, conflicting classifications (1 of 4 stars). 2 submissions from 2 submitters: Uncertain significance (1); Likely benign (1). Last evaluated 2024-10-24.

Conditions:
Nephronophthisis 18 (NPHP18). Identifiers: Orphanet 655, MedGen C3890591, MONDO:0014374, OMIM 615862.

Allele frequency attached by ClinVar (database versions not stated): gnomAD exomes 0.00001 and 0.00005; ExAC 0.00003; gnomAD 0.00003.
gnomAD v4.1: 19 of 1,531,680 alleles (0.0012%); highest among the groups gnomAD compares: Admixed American, 0.028%; no homozygotes.

Submissions (2):

Labcorp Genetics (formerly Invitae), Labcorp
Classification: Uncertain significance for Nephronophthisis 18. Last evaluated: 2024-10-24. Review status: criteria provided, single submitter. Criteria: Invitae Variant Classification Sherloc (09022015). Collection method: clinical testing. Allele origin: germline.
Comment: This sequence change falls in intron 12 of the CEP83 gene. It does not directly change the encoded amino acid sequence of the CEP83 protein. It affects a nucleotide within the consensus splice site. This variant is present in population databases (rs753727360, gnomAD 0.04%). This variant has not been reported in the literature in individuals affected with CEP83-related conditions. ClinVar contains an entry for this variant (Variation ID: 1414986). Variants that disrupt the consensus splice site are a relatively common cause of aberrant splicing (PMID: 17576681, 9536098). Algorithms developed to predict the effect of sequence changes on RNA splicing suggest that this variant is not likely to affect RNA splicing. In summary, the available evidence is currently insufficient to determine the role of this variant in disease. Therefore, it has been classified as a Variant of Uncertain Significance.

Blueprint Genetics
Classification: Likely benign. Last evaluated: 2022-11-18. Review status: criteria provided, single submitter. Criteria: ACMG Guidelines, 2015. Collection method: clinical testing. Allele origin: germline.

Literature cited by the submitters: PubMed 17576681 (cited by Labcorp Genetics (formerly Invitae), Labcorp); PubMed 9536098 (cited by Labcorp Genetics (formerly Invitae), Labcorp).